The following is an entry in ClinVar:

NM_003482.4(KMT2D):c.12317G>A (p.Ser4106Asn)

Gene: KMT2D (lysine methyltransferase 2D; minus strand). Cytogenetic location: 12q13.12.
Variant type: single nucleotide variant.
Coding change: c.12317G>A on transcript NM_003482.4 (MANE Select); coding-DNA position 12317, G replaced by A.
Protein change: p.Ser4106Asn; replaces serine 4106 with asparagine.
Molecular consequence: missense variant.
Genome position (GRCh38, 1-based): chr12:49,032,388, C>T on the plus strand (G>A on the coding strand, the complement: KMT2D is on the minus strand). VCF-style: chr12-49032388-C-T. GRCh37 (hg19) VCF-style: chr12-49426171-C-T.
Other names: short protein forms S4106N.
Identifiers: ClinVar variation 1521161 (VCV001521161.6), dbSNP rs2120430855, ClinGen allele CA384712182.

ClinVar aggregate classification (germline): Uncertain significance (1 of 4 stars; one submission).

Conditions:
Kabuki syndrome. Also called: NIIKAWA-KUROKI SYNDROME; Kabuki make-up syndrome. Identifiers: Orphanet 2322, MedGen C0796004, MONDO:0016512.

Submission:

Labcorp Genetics (formerly Invitae), Labcorp
Classification: Uncertain significance for Kabuki syndrome. Last evaluated: 2022-07-26. Review status: criteria provided, single submitter. Criteria: Invitae Variant Classification Sherloc (09022015). Collection method: clinical testing. Allele origin: germline.
Comment: This variant is not present in population databases (gnomAD no frequency). In summary, the available evidence is currently insufficient to determine the role of this variant in disease. Therefore, it has been classified as a Variant of Uncertain Significance. Advanced modeling of protein sequence and biophysical properties (such as structural, functional, and spatial information, amino acid conservation, physicochemical variation, residue mobility, and thermodynamic stability) performed at Invitae indicates that this missense variant is not expected to disrupt KMT2D protein function. ClinVar contains an entry for this variant (Variation ID: 1521161). This variant has not been reported in the literature in individuals affected with KMT2D-related conditions. This sequence change replaces serine, which is neutral and polar, with asparagine, which is neutral and polar, at codon 4106 of the KMT2D protein (p.Ser4106Asn).